The following is an entry in ClinVar:

ClinVar aggregate classification (germline): Likely benign. Review status: criteria provided, multiple submitters, no conflicts (2 of 4 stars). 2 submissions from 2 submitters: Likely benign (2). Last evaluated 2023-10-18.

Allele frequency attached by ClinVar (database versions not stated): TOPMed below 0.00001.

Submissions (2):

Women's Health and Genetics/Laboratory Corporation of America, LabCorp
Classification: Likely benign. Last evaluated: 2023-10-18. Review status: criteria provided, single submitter. Criteria: LabCorp Variant Classification Summary - May 2015. Collection method: clinical testing. Allele origin: germline.
Comment: Variant summary: ALPL c.182-18C>T alters a nucleotide located at a position not widely known to affect splicing. Consensus agreement among computation tools predict no significant impact on normal splicing. However, these predictions have yet to be confirmed by functional studies. The variant was absent in 217676 control chromosomes (gnomAD). The available data on variant occurrences in the general population are insufficient to allow any conclusion about variant significance. To our knowledge, no occurrence of c.182-18C>T in individuals affected with Hypophosphatasia and no experimental evidence demonstrating its impact on protein function have been reported. No submitters have cited clinical-significance assessments for this variant to ClinVar after 2014. Based on the evidence outlined above, the variant was classified as likely benign.

Labcorp Genetics (formerly Invitae), Labcorp
Classification: Likely benign. Last evaluated: 2023-03-21. Review status: criteria provided, single submitter. Criteria: Invitae Variant Classification Sherloc (09022015). Collection method: clinical testing. Allele origin: germline.

NM_000478.6(ALPL):c.182-18C>T

Gene: ALPL (alkaline phosphatase, biomineralization associated; plus strand). Cytogenetic location: 1p36.12.
Variant type: single nucleotide variant.
Coding change: c.182-18C>T on transcript NM_000478.6 (MANE Select); 18 bases into the intron before coding-DNA position 182, C replaced by T.
Molecular consequence: intron variant.
Genome position (GRCh38, 1-based): chr1:21,561,079, C>T. VCF-style: chr1-21561079-C-T. GRCh37 (hg19) VCF-style: chr1-21887572-C-T.
Other names: c.182-18C>T (NM_001369805.2, NM_001369804.2, NM_001369803.2); c.17-18C>T (NM_001127501.4); c.66+334C>T (NM_001177520.3).
Identifiers: ClinVar variation 2637797 (VCV002637797.4), dbSNP rs1644477875, ClinGen allele CA1158013214.